The following is an entry in ClinVar:

NM_014946.4(SPAST):c.1774del (p.Lys591_Ile592insTer)

Gene: SPAST (spastin; plus strand). Cytogenetic location: 2p22.3.
Variant type: Deletion.
Coding change: c.1774del on transcript NM_014946.4 (MANE Select); coding-DNA position 1774, one base deleted (A; older notation c.1774delA).
Protein change: p.Lys591_Ile592insTer.
Molecular consequence: nonsense. On other transcripts: 3 prime UTR variant (1).
Genome position (GRCh38, 1-based): chr2:32,154,419, A deleted; the last of 7 consecutive A bases (chr2:32,154,413-32,154,419); deleting any one gives the same sequence. VCF-style (leftmost placement, unchanged base first): chr2-32154412-GA-G. GRCh37 (hg19) VCF-style: chr2-32379481-GA-G.
Other names: c.1774delA (NM_014946.3, NM_014946.4); c.1771del, p.Lys590_Ile591insTer (NM_001363823.2); c.1675del, p.Lys558_Ile559insTer (NM_001363875.2); c.*47del (NM_001377959.1); c.1678del, p.Lys559_Ile560insTer (NM_199436.2).
Identifiers: ClinVar variation 994982 (VCV000994982.12), dbSNP rs1680185365, ClinGen allele CA645523271.

ClinVar aggregate classification (germline): Pathogenic/Likely pathogenic. Review status: criteria provided, multiple submitters, no conflicts (2 of 4 stars). 5 submissions from 5 submitters: Pathogenic (3); Likely pathogenic (2). Last evaluated 2024-10-23.

Conditions:
Hereditary spastic paraplegia 4. Also called: Spastic paraplegia 4, autosomal dominant; Spastic Paraplegia 4; Familial spastic paraplegia autosomal dominant 2. Identifiers: Orphanet 100985, MedGen C1866855, MONDO:0008438, OMIM 182601.

Submissions (5):

GeneDx
Classification: Likely pathogenic. Last evaluated: 2024-10-23. Review status: criteria provided, single submitter. Criteria: GeneDx Variant Classification Process June 2021. Collection method: clinical testing. Allele origin: germline. Affected: yes.
Comment: Identified in patients with spastic paraplegia referred for genetic testing at GeneDx and in published literature (PMID: 26671083, 35464835, 26208798); Nonsense variant predicted to result in protein truncation, as the last 25 amino acids are lost, and other loss-of-function variants have been reported downstream in HGMD; Not observed at significant frequency in large population cohorts (gnomAD); This variant is associated with the following publications: (PMID: 38403837, 35464835, 32979422, 21139634, 26094131, 26671083, 26208798)

Molecular Genetics, Royal Melbourne Hospital
Classification: Likely pathogenic for Hereditary spastic paraplegia 4. Last evaluated: 2023-03-30. Review status: criteria provided, single submitter. Criteria: ACMG Guidelines, 2015. Collection method: clinical testing. Allele origin: germline. Affected: yes.
Comment: This sequence change in SPAST is a frameshift variant that may cause a premature stop codon, p.(Ile592*), that is predicted to escape nonsense mediated decay and remove <10% of the protein, however it is a truncation of a functionally important region (AAA domain, amino acids 342-599) in a gene where loss-of-function is an established disease mechanism (PMID: 32979422; ClinGen). This variant is absent from gnomAD v2.1 and v3.1. This variant has been reported in at least two probands with pure hereditary spastic paraplegia (PMID: 26208798, 26671083). Based on the classification scheme RMH Modified ACMG Guidelines v1.5.1, this variant is classified as LIKELY PATHOGENIC. Following criteria are met: PVS1_Strong, PS4_Supporting, PM2_Supporting.

Labcorp Genetics (formerly Invitae), Labcorp
Classification: Pathogenic for Hereditary spastic paraplegia 4. Last evaluated: 2023-01-15. Review status: criteria provided, single submitter. Criteria: Invitae Variant Classification Sherloc (09022015). Collection method: clinical testing. Allele origin: germline.
Comment: For these reasons, this variant has been classified as Pathogenic. This variant disrupts a region of the SPAST protein in which other variant(s) (p.Ile592Lys) have been determined to be pathogenic (PMID: 31157359; Invitae). This suggests that this is a clinically significant region of the protein, and that variants that disrupt it are likely to be disease-causing. ClinVar contains an entry for this variant (Variation ID: 994982). This variant is also known as p.Ile592fs. This premature translational stop signal has been observed in individuals with hereditary spastic paraplegia (PMID: 26208798, 26671083). This variant is not present in population databases (gnomAD no frequency). This sequence change creates a premature translational stop signal (p.Ile592*) in the SPAST gene. While this is not anticipated to result in nonsense mediated decay, it is expected to disrupt the last 25 amino acid(s) of the SPAST protein.

Mayo Clinic Laboratories, Mayo Clinic
Classification: Pathogenic. Last evaluated: 2020-03-11. Review status: criteria provided, single submitter. Criteria: ACMG Guidelines, 2015. Collection method: clinical testing. Allele origin: germline. Observed: 1 variant allele.
Comment: PVS1_strong, PS4_moderate, PM1, PM2

Athena Diagnostics
Classification: Pathogenic. Last evaluated: 2020-02-04. Review status: criteria provided, single submitter. Criteria: Athena Diagnostics Criteria. Collection method: clinical testing. Allele origin: unknown.
Comment: The variant results in a shift of the reading frame, and is therefore predicted to result in the loss of a functional protein. Found in at least one patient with expected phenotype for this gene, and not found in general population data.

Literature cited by the submitters: PubMed 26208798 (cited by 4 submitters); PubMed 26671083 (cited by 4 submitters); PubMed 32979422 (cited by Molecular Genetics, Royal Melbourne Hospital); PubMed 31157359 (cited by Labcorp Genetics (formerly Invitae), Labcorp).